The following is an entry in ClinVar:

ClinVar aggregate classification (germline): Uncertain significance (1 of 4 stars; one submission).

Conditions:
Beckwith-Wiedemann syndrome (BWS). Also called: Exomphalos macroglossia gigantism syndrome; EMG SYNDROME. Identifiers: Orphanet 116, MedGen C0004903, MONDO:0007534, OMIM 130650.

Submission:

Labcorp Genetics (formerly Invitae), Labcorp
Classification: Uncertain significance for Beckwith-Wiedemann syndrome. Last evaluated: 2021-07-15. Review status: criteria provided, single submitter. Criteria: Invitae Variant Classification Sherloc (09022015). Collection method: clinical testing. Allele origin: germline.
Comment: In summary, the available evidence is currently insufficient to determine the role of this variant in disease. Therefore, it has been classified as a Variant of Uncertain Significance. Algorithms developed to predict the effect of missense changes on protein structure and function are either unavailable or do not agree on the potential impact of this missense change (SIFT: "Tolerated"; PolyPhen-2: "Not Available"; Align-GVGD: "Class C0"). This variant has not been reported in the literature in individuals with CDKN1C-related conditions. The frequency data for this variant in the population databases is considered unreliable, as metrics indicate insufficient coverage at this position in the ExAC database. This sequence change replaces proline with arginine at codon 200 of the CDKN1C protein (p.Pro200Arg). The proline residue is weakly conserved and there is a moderate physicochemical difference between proline and arginine.

NM_001122630.2(CDKN1C):c.566C>G (p.Pro189Arg)

Gene: CDKN1C (cyclin dependent kinase inhibitor 1C; minus strand). Cytogenetic location: 11p15.4.
Variant type: single nucleotide variant.
Coding change: c.566C>G on transcript NM_001122630.2 (MANE Select); coding-DNA position 566, C replaced by G.
Protein change: p.Pro189Arg; replaces proline 189 with arginine.
Molecular consequence: missense variant. On other transcripts: intron variant (1).
Genome position (GRCh38, 1-based): chr11:2,884,891, G>C on the plus strand (C>G on the coding strand, the complement: CDKN1C is on the minus strand). VCF-style: chr11-2884891-G-C. GRCh37 (hg19) VCF-style: chr11-2906121-G-C.
Other names: c.599C>G, p.Pro200Arg (NM_000076.2, NM_001362474.2); c.566C>G, p.Pro189Arg (NM_001122631.2); c.255+311C>G (NM_001362475.2); short protein forms P189R, P200R.
Identifiers: ClinVar variation 1008616 (VCV001008616.8), dbSNP rs1848936436, ClinGen allele CA379146356.